The following is an entry in ClinVar:

NM_005726.6(TSFM):c.17C>T (p.Ser6Leu)

Gene: TSFM (Ts translation elongation factor, mitochondrial; plus strand). Cytogenetic location: 12q14.1.
Variant type: single nucleotide variant.
Coding change: c.17C>T on transcript NM_005726.6 (MANE Select); coding-DNA position 17, C replaced by T.
Protein change: p.Ser6Leu; replaces serine 6 with leucine.
Molecular consequence: missense variant.
Genome position (GRCh38, 1-based): chr12:57,782,818, C>T. VCF-style: chr12-57782818-C-T. GRCh37 (hg19) VCF-style: chr12-58176601-C-T.
Other names: p.Ser6Leu; c.17C>T, p.Ser6Leu (NM_001172695.2, NM_001172696.2, NM_001172697.2); short protein forms S6L.
Identifiers: ClinVar variation 3183605 (VCV003183605.3), dbSNP rs372337739, ClinGen allele CA6659177.

ClinVar aggregate classification (germline): Uncertain significance. Review status: criteria provided, multiple submitters, no conflicts (2 of 4 stars). 3 submissions from 3 submitters: Uncertain significance (3). Last evaluated 2025-04-07.

Conditions:
Inborn genetic diseases. Identifiers: MedGen C0950123, MeSH D030342.

Allele frequency attached by ClinVar (database versions not stated): ExAC 0.00002; ESP Exome Variant Server 0.00008.
gnomAD v4.1: 30 of 1,593,856 alleles (0.0019%); highest among the groups gnomAD compares: South Asian, 0.013%; no homozygotes.

Submissions (3):

Mayo Clinic Laboratories, Mayo Clinic
Classification: Uncertain significance. Last evaluated: 2025-04-07. Review status: criteria provided, single submitter. Criteria: ACMG Guidelines, 2015. Collection method: clinical testing. Allele origin: germline. Observed: 1 variant allele.
Comment: BP4, PM2_supporting

Ambry Genetics
Classification: Uncertain significance for Inborn genetic diseases. Last evaluated: 2024-01-23. Review status: criteria provided, single submitter. Criteria: Ambry Variant Classification Scheme 2023. Collection method: clinical testing. Allele origin: germline.

Blueprint Genetics
Classification: Uncertain significance. Last evaluated: 2024-01-19. Review status: criteria provided, single submitter. Criteria: ACMG Guidelines, 2015. Collection method: clinical testing. Allele origin: germline.